The following is an entry in ClinVar:

NM_001323289.2(CDKL5):c.2704C>A (p.Gln902Lys)

Gene: CDKL5 (cyclin dependent kinase like 5; plus strand). Cytogenetic location: Xp22.13.
Variant type: single nucleotide variant.
Coding change: c.2704C>A on transcript NM_001323289.2 (MANE Select); coding-DNA position 2704, C replaced by A.
Protein change: p.Gln902Lys; replaces glutamine 902 with lysine.
Molecular consequence: missense variant.
Genome position (GRCh38, 1-based): chrX:18,628,578, C>A. VCF-style: chrX-18628578-C-A. GRCh37 (hg19) VCF-style: chrX-18646698-C-A.
Other names: c.2704C>A, p.Gln902Lys (NM_001037343.2, NM_003159.3); short protein forms Q902K.
Identifiers: ClinVar variation 2945233 (VCV002945233.3), dbSNP rs786204981, ClinGen allele CA327009072.
Genomic context (GRCh38, chrX:18,628,578, plus strand): 5'-GCCTCTGGCGGGAGCAGCAACATCCGGCAGGAACCCGCACCGAAGGGCAGGCCAGCCCTC[C>A]AGCTGCCAGGTCAGATGGATCCTGGTTGGCATGTGTCCTCTGTGACCAGGAGTGCCACAG-3'
Protein context (NP_001310218.1, residues 892-912): EPAPKGRPAL[Gln902Lys]LPGQMDPGWH

ClinVar aggregate classification (germline): Uncertain significance (1 of 4 stars; one submission).

Conditions:
Developmental and epileptic encephalopathy, 2 (DEE2). Also called: INFANTILE SPASM SYNDROME, X-LINKED 2; CDKL5 deficiency disorder. Identifiers: Orphanet 1934, Orphanet 3451, Orphanet 505652, MedGen C4750718, MONDO:0010396, OMIM 300672.
Angelman syndrome-like. Identifiers: MedGen CN128785.

Allele frequency attached by ClinVar (database versions not stated): TOPMed below 0.00001.

Submission:

Labcorp Genetics (formerly Invitae), Labcorp
Classification: Uncertain significance for Developmental and epileptic encephalopathy, 2; Angelman syndrome-like. Last evaluated: 2023-04-13. Review status: criteria provided, single submitter. Criteria: Invitae Variant Classification Sherloc (09022015). Collection method: clinical testing. Allele origin: germline.
Comment: In summary, the available evidence is currently insufficient to determine the role of this variant in disease. Therefore, it has been classified as a Variant of Uncertain Significance. Advanced modeling of protein sequence and biophysical properties (such as structural, functional, and spatial information, amino acid conservation, physicochemical variation, residue mobility, and thermodynamic stability) performed at Invitae indicates that this missense variant is not expected to disrupt CDKL5 protein function. This variant has not been reported in the literature in individuals affected with CDKL5-related conditions. This variant is not present in population databases (gnomAD no frequency). This sequence change replaces glutamine, which is neutral and polar, with lysine, which is basic and polar, at codon 902 of the CDKL5 protein (p.Gln902Lys).